The following is an entry in ClinVar:

ClinVar aggregate classification (germline): Conflicting classifications of pathogenicity. Review status: criteria provided, conflicting classifications (1 of 4 stars). 4 submissions from 4 submitters: Uncertain significance (3); Likely benign (1). Last evaluated 2026-09-10.

Conditions:
TTN-related disorder. Also called: TTN-related disorders; TTN-related condition; TTN-related disease.

Allele frequency attached by ClinVar (database versions not stated): gnomAD 0.00001 and 0.00004; gnomAD exomes 0.00001 and 0.00006; TOPMed 0.00002; ExAC 0.00005; 1000 Genomes Project 30x 0.00047; 1000 Genomes Project 0.00060.
gnomAD v4.1: 25 of 1,613,200 alleles (0.0015%); highest among the groups gnomAD compares: East Asian, 0.047%; no homozygotes.

Submissions (4):

PreventionGenetics, part of Exact Sciences
Classification: Uncertain significance for TTN-related condition. Last evaluated: 2026-09-10. Review status: criteria provided, single submitter. Criteria: ACMG Guidelines, 2015. Collection method: clinical testing. Allele origin: germline.
Comment: The TTN c.64253A>C variant is predicted to result in the amino acid substitution p.Tyr21418Ser. This variant has been reported in individuals with dilated cardiomyopathy (Supplemental Table 3, Mazzarotto et al. 2020. PubMed ID: 31983221). This variant is reported in 0.077% of alleles in individuals of East Asian descent in gnomAD and has conflicting interpretations regarding its pathogenicity in ClinVar, ranging from likely benign to uncertain (Variation ID: 1678813). Although we suspect that this variant may be benign, at this time, the clinical significance of this variant is uncertain due to the absence of conclusive functional and genetic evidence.

Mayo Clinic Laboratories, Mayo Clinic
Classification: Uncertain significance. Last evaluated: 2025-10-03. Review status: criteria provided, single submitter. Criteria: ACMG Guidelines, 2015. Collection method: clinical testing. Allele origin: germline. Observed: 1 variant allele.

Revvity Omics, Revvity
Classification: Uncertain significance. Last evaluated: 2021-06-03. Review status: criteria provided, single submitter. Criteria: ACMG Guidelines, 2015. Collection method: clinical testing. Allele origin: germline.

GeneDx
Classification: Likely benign. Last evaluated: 2019-04-18. Review status: criteria provided, single submitter. Criteria: GeneDx Variant Classification Process June 2021. Collection method: clinical testing. Allele origin: germline. Affected: yes.
Comment: See Variant Classification Assertion Criteria.

Literature cited by the submitters: PubMed 31983221 (cited by Mayo Clinic Laboratories, Mayo Clinic).

NM_001267550.2(TTN):c.64253A>C (p.Tyr21418Ser)

Genes: TTN-AS1 (TTN antisense RNA 1; plus strand), TTN (titin; minus strand). Cytogenetic location: 2q31.2.
Variant type: single nucleotide variant.
Coding change: c.64253A>C on transcript NM_001267550.2 (MANE Select); coding-DNA position 64253, A replaced by C.
Protein change: p.Tyr21418Ser; replaces tyrosine 21418 with serine.
Molecular consequence: missense variant.
Genome position (GRCh38, 1-based): chr2:178,586,648, T>G on the plus strand (A>C on the coding strand, the complement: TTN is on the minus strand). VCF-style: chr2-178586648-T-G. GRCh37 (hg19) VCF-style: chr2-179451375-T-G.
Other names: p.Tyr18850Ser; c.59330A>C, p.Tyr19777Ser (NM_001256850.1); c.37058A>C, p.Tyr12353Ser (NM_003319.4); c.56549A>C, p.Tyr18850Ser (NM_133378.4); c.37433A>C, p.Tyr12478Ser (NM_133432.3); c.37634A>C, p.Tyr12545Ser (NM_133437.4); short protein forms Y12353S, Y12478S, Y12545S, Y18850S, Y19777S, Y21418S.
Identifiers: ClinVar variation 1678813 (VCV001678813.6), dbSNP rs573165930, ClinGen allele CA1991929.